The following is an entry in ClinVar:

NC_000009.12:g.85095164C>T

Gene: NTRK2 (neurotrophic receptor tyrosine kinase 2; plus strand). Cytogenetic location: 9q21.33.
Variant type: single nucleotide variant.
Genome position: GRCh38 VCF-style: chr9-85095164-C-T. GRCh37 (hg19) VCF-style: chr9-87710079-C-T.
Identifiers: ClinVar variation 4534618 (VCV004534618.6).

ClinVar aggregate classification (germline): Likely benign (1 of 4 stars; one submission).

Submission:

CeGaT Center for Human Genetics Tuebingen
Classification: Likely benign. Last evaluated: 2026-05-01. Review status: criteria provided, single submitter. Criteria: CeGaT Center For Human Genetics Tuebingen Variant Classification Criteria Version 2. Collection method: clinical testing. Allele origin: germline. Affected: yes. Observed: 2 variant alleles.
Comment: NTRK2: BP4, BP7